The following is an entry in ClinVar:

ClinVar aggregate classification (germline): Uncertain significance (0 of 4 stars; one submission).

Conditions:
CDK13-related disorder. Also called: CDK13-related condition. Identifiers: MedGen C5816700.

Submission:

PreventionGenetics, part of Exact Sciences
Classification: Uncertain significance for CDK13-related condition. Last evaluated: 2024-06-20. Review status: no assertion criteria provided. Collection method: clinical testing. Allele origin: germline.
Comment: The CDK13 c.2697C>A variant is predicted to result in the amino acid substitution p.Ser899Arg. To our knowledge, this variant has not been reported in the literature or in a large population database, indicating this variant is rare. At this time, the clinical significance of this variant is uncertain due to the absence of conclusive functional and genetic evidence.

NM_003718.5(CDK13):c.2697C>A (p.Ser899Arg)

Gene: CDK13 (cyclin dependent kinase 13; plus strand). Cytogenetic location: 7p14.1.
Variant type: single nucleotide variant.
Coding change: c.2697C>A on transcript NM_003718.5 (MANE Select); coding-DNA position 2697, C replaced by A.
Protein change: p.Ser899Arg; replaces serine 899 with arginine.
Molecular consequence: missense variant.
Genome position (GRCh38, 1-based): chr7:40,062,922, C>A. VCF-style: chr7-40062922-C-A. GRCh37 (hg19) VCF-style: chr7-40102521-C-A.
Other names: c.2697C>A, p.Ser899Arg (NM_031267.4); short protein forms S899R.
Identifiers: ClinVar variation 3358465 (VCV003358465.1).
Genomic context (GRCh38, chr7:40,062,922, plus strand): 5'-CCGTCCACCTGAACTGCTACTGGGAGAAGAACGATACACACCAGCCATTGATGTATGGAG[C>A]TGTGGGTAAGATAGCCTTATTTACTGGTTTATTTTACTTGAAACTTTTGGTAGTGAATTA-3'
Protein context (NP_003709.3, residues 889-909): ERYTPAIDVW[Ser899Arg]CGCILGELFT